The following is an entry in ClinVar:

NC_000012.11:g.(?_2558122)_(2800365_?)dup

Gene: CACNA1C (calcium voltage-gated channel subunit alpha1 C; plus strand). Cytogenetic location: 12p13.33.
Variant type: Duplication.
Identifiers: ClinVar variation 2423374 (VCV002423374.4).

ClinVar aggregate classification (germline): Uncertain significance (1 of 4 stars; one submission).

Conditions:
Long QT syndrome (LQTS). Identifiers: MedGen C0023976, MeSH D008133, MONDO:0002442. Disease mechanism: loss of function. Inheritance: Various modes of inheritance.

Submission:

Labcorp Genetics (formerly Invitae), Labcorp
Classification: Uncertain significance for Long QT syndrome. Last evaluated: 2022-05-27. Review status: criteria provided, single submitter. Criteria: Invitae Variant Classification Sherloc (09022015). Collection method: clinical testing. Allele origin: germline.
Comment: This variant results in a copy number gain of the genomic region encompassing exon(s) 4-47 of the CACNA1C gene. This region includes the termination codon of the gene. This copy number gain extends beyond the assayed region for this gene and therefore may encompass additional genes. As the precise location of this event is unknown, it may be in tandem or it may be located elsewhere in the genome. This variant has not been reported in the literature in individuals affected with CACNA1C-related conditions. In summary, the available evidence is currently insufficient to determine the role of this variant in disease. Therefore, it has been classified as a Variant of Uncertain Significance.